The following is an entry in ClinVar:

ClinVar aggregate classification (germline): Uncertain significance. Review status: criteria provided, multiple submitters, no conflicts (2 of 4 stars). 2 submissions from 2 submitters: Uncertain significance (2). Last evaluated 2025-05-22.

Conditions:
Hereditary cancer-predisposing syndrome. Also called: Hereditary neoplastic syndrome; Neoplastic Syndromes, Hereditary; Tumor predisposition; Hereditary Cancer Syndrome. Identifiers: Orphanet 140162, MedGen C0027672, MeSH D009386, MONDO:0015356.
Rhabdoid tumor predisposition syndrome 2 (RTPS2). Identifiers: Orphanet 231108, Orphanet 69077, MedGen C2750074, MONDO:0013224, OMIM 613325.

gnomAD v4.1: 1 of 1,614,058 alleles (0.000062%); highest among the groups gnomAD compares: Non-Finnish European, 0.000085%; no homozygotes.

Submissions (2):

Labcorp Genetics (formerly Invitae), Labcorp
Classification: Uncertain significance for Rhabdoid tumor predisposition syndrome 2. Last evaluated: 2025-05-22. Review status: criteria provided, single submitter. Criteria: Invitae Variant Classification Sherloc (09022015). Collection method: clinical testing. Allele origin: germline.
Comment: This sequence change replaces glutamic acid, which is acidic and polar, with aspartic acid, which is acidic and polar, at codon 81 of the SMARCA4 protein (p.Glu81Asp). This variant is not present in population databases (gnomAD no frequency). This variant has not been reported in the literature in individuals affected with SMARCA4-related conditions. ClinVar contains an entry for this variant (Variation ID: 470307). An algorithm developed to predict the effect of missense changes on protein structure and function (PolyPhen-2) suggests that this variant is likely to be disruptive. In summary, the available evidence is currently insufficient to determine the role of this variant in disease. Therefore, it has been classified as a Variant of Uncertain Significance.

Ambry Genetics
Classification: Uncertain significance for Hereditary cancer-predisposing syndrome. Last evaluated: 2023-01-20. Review status: criteria provided, single submitter. Criteria: Ambry Variant Classification Scheme 2023. Collection method: clinical testing. Allele origin: germline.
Comment: The p.E81D variant (also known as c.243G>T), located in coding exon 2 of the SMARCA4 gene, results from a G to T substitution at nucleotide position 243. The glutamic acid at codon 81 is replaced by aspartic acid, an amino acid with highly similar properties. This amino acid position is well conserved in available vertebrate species; however, aspartic acid is the reference amino acid in other vertebrate species. In addition, this alteration is predicted to be tolerated by in silico analysis. Missense and in-frame variants in SMARCA4 are known to cause neurodevelopmental disorders; however, such associations with rhabdoid tumor predisposition syndrome including small cell carcinoma of the ovary-hypercalcemic type (SCCOHT) are exceedingly rare (Kosho T et al. Am J Med Genet C Semin Med Genet. 2014 Sep;166C(3):262-75; Jelinic P et al. Nat Genet. 2014 May;46(5):424-6). Based on the supporting evidence, the association of this alteration with Coffin-Siris syndrome is unknown; however, the association of this alteration with rhabdoid tumor predisposition syndrome is unlikely.

NM_003072.5(SMARCA4):c.243G>T (p.Glu81Asp)

Gene: SMARCA4 (SWI/SNF related BAF chromatin remodeling complex subunit ATPase 4; plus strand). Cytogenetic location: 19p13.2.
Variant type: single nucleotide variant.
Coding change: c.243G>T on transcript NM_003072.5 (MANE Select); coding-DNA position 243, G replaced by T.
Protein change: p.Glu81Asp; replaces glutamic acid 81 with aspartic acid.
Molecular consequence: missense variant. On other transcripts: non-coding transcript variant (1).
Genome position (GRCh38, 1-based): chr19:10,985,293, G>T. VCF-style: chr19-10985293-G-T. GRCh37 (hg19) VCF-style: chr19-11095969-G-T.
Other names: c.243G>T, p.Glu81Asp (NM_001128844.3, NM_001128845.2, NM_001128846.2 and 5 more transcripts); short protein forms E81D.
Identifiers: ClinVar variation 470307 (VCV000470307.12), dbSNP rs1060504435, ClinGen allele CA404055119.